The following is an entry in ClinVar:

ClinVar aggregate classification (germline): Uncertain significance. Review status: criteria provided, multiple submitters, no conflicts (2 of 4 stars). 3 submissions from 3 submitters: Uncertain significance (3). Last evaluated 2026-01-10.

Conditions:
Hereditary cancer-predisposing syndrome. Also called: Neoplastic Syndromes, Hereditary; Hereditary Cancer Syndrome; Tumor predisposition; Hereditary neoplastic syndrome. Identifiers: Orphanet 140162, MedGen C0027672, MeSH D009386, MONDO:0015356.
Hirschsprung disease, susceptibility to, 1 (HSCR1). Also called: RET-Related Hirschsprung Disease. Identifiers: Orphanet 388, MedGen C3888239, MONDO:0007723, OMIM 142623.
Multiple endocrine neoplasia, type 2 (MEN2). Identifiers: Orphanet 653, MedGen C4048306, MONDO:0019003. Disease mechanism: gain of function.

gnomAD v4.1: 7 of 1,614,210 alleles (0.00043%); highest among the groups gnomAD compares: Non-Finnish European, 0.00059%; no homozygotes.

Submissions (3):

Labcorp Genetics (formerly Invitae), Labcorp
Classification: Uncertain significance for Multiple endocrine neoplasia, type 2. Last evaluated: 2026-01-10. Review status: criteria provided, single submitter. Criteria: Invitae Variant Classification Sherloc (09022015). Collection method: clinical testing. Allele origin: germline.
Comment: This sequence change replaces proline, which is neutral and non-polar, with arginine, which is basic and polar, at codon 162 of the RET protein (p.Pro162Arg). This variant is not present in population databases (gnomAD no frequency). This variant has not been reported in the literature in individuals affected with RET-related conditions. ClinVar contains an entry for this variant (Variation ID: 2138848). An algorithm developed to predict the effect of missense changes on protein structure and function (PolyPhen-2) suggests that this variant is likely to be tolerated. In summary, the available evidence is currently insufficient to determine the role of this variant in disease. Therefore, it has been classified as a Variant of Uncertain Significance.

Ambry Genetics
Classification: Uncertain significance for Hereditary cancer-predisposing syndrome. Last evaluated: 2024-05-10. Review status: criteria provided, single submitter. Criteria: Ambry Variant Classification Scheme 2023. Collection method: clinical testing. Allele origin: germline.
Comment: The p.P162R variant (also known as c.485C>G), located in coding exon 3 of the RET gene, results from a C to G substitution at nucleotide position 485. The proline at codon 162 is replaced by arginine, an amino acid with dissimilar properties. This amino acid position is conserved. In addition, this alteration is predicted to be tolerated by in silico analysis. Based on the available evidence, the clinical significance of this variant remains unclear.

Baylor Genetics
Classification: Uncertain significance for Hirschsprung disease, susceptibility to, 1. Last evaluated: 2024-03-01. Review status: criteria provided, single submitter. Criteria: ACMG Guidelines, 2015. Collection method: clinical testing. Allele origin: unknown.

NM_020975.6(RET):c.485C>G (p.Pro162Arg)

Gene: RET (ret proto-oncogene; plus strand). Cytogenetic location: 10q11.21.
Variant type: single nucleotide variant.
Coding change: c.485C>G on transcript NM_020975.6 (MANE Select); coding-DNA position 485, C replaced by G.
Protein change: p.Pro162Arg; replaces proline 162 with arginine.
Molecular consequence: missense variant.
Genome position (GRCh38, 1-based): chr10:43,102,489, C>G. VCF-style: chr10-43102489-C-G. GRCh37 (hg19) VCF-style: chr10-43597937-C-G.
Other names: c.485C>G, p.Pro162Arg (NM_000323.2, NM_001406743.1, NM_001406744.1 and 16 more transcripts); c.356C>G, p.Pro119Arg (NM_001406761.1, NM_001406762.1, NM_001406764.1 and 4 more transcripts); short protein forms P162R, P119R.
Identifiers: ClinVar variation 2138848 (VCV002138848.6), dbSNP rs1205703835, ClinGen allele CA376543219.